The following is an entry in ClinVar:

NM_000722.4(CACNA2D1):c.2468C>T (p.Ala823Val)

Gene: CACNA2D1 (calcium voltage-gated channel auxiliary subunit alpha2delta 1; minus strand). Cytogenetic location: 7q21.11.
Variant type: single nucleotide variant.
Coding change: c.2468C>T on transcript NM_000722.4 (MANE Select); coding-DNA position 2468, C replaced by T.
Protein change: p.Ala823Val; replaces alanine 823 with valine.
Molecular consequence: missense variant.
Genome position (GRCh38, 1-based): chr7:81,967,203, G>A on the plus strand (C>T on the coding strand, the complement: CACNA2D1 is on the minus strand). VCF-style: chr7-81967203-G-A. GRCh37 (hg19) VCF-style: chr7-81596519-G-A.
Other names: c.2504C>T, p.Ala835Val (NM_001366867.1); short protein forms A835V, A823V.
Identifiers: ClinVar variation 4734108 (VCV004734108.1).
Genomic context (GRCh38, chr7:81,967,203, plus strand): 5'-AAAGTGATTTTAAATAGTTTTCTTACGTCACTGTTTCTTTTGCAGTCACAAACTGGACCA[G>A]CACACTGAAAGACAAAAATGCGATTATCACCTCACTTTTAAAAGTTGGATTTTAATTATA-3'
Protein context (NP_000713.2, residues 813-833): FTKTSIRDPC[Ala823Val]GPVCDCKRNS

ClinVar aggregate classification (germline): Uncertain significance (1 of 4 stars; one submission).

Conditions:
Brugada syndrome. Also called: Sudden unexpected nocturnal death syndrome; Sudden Unexplained Death Syndrome; Sudden Unexplained Nocturnal Death Syndrome (SUNDS); Sudden unexplained nocturnal death syndrome. Identifiers: Orphanet 130, MedGen C1142166, MONDO:0015263.

Submission:

Labcorp Genetics (formerly Invitae), Labcorp
Classification: Uncertain significance for Brugada syndrome. Last evaluated: 2025-12-24. Review status: criteria provided, single submitter. Criteria: Invitae Variant Classification Sherloc (09022015). Collection method: clinical testing. Allele origin: germline.
Comment: This sequence change replaces alanine, which is neutral and non-polar, with valine, which is neutral and non-polar, at codon 823 of the CACNA2D1 protein (p.Ala823Val). This variant is not present in population databases (gnomAD no frequency). This variant has not been reported in the literature in individuals affected with CACNA2D1-related conditions. An algorithm developed to predict the effect of missense changes on protein structure and function outputs the following: PolyPhen-2: "Benign". The valine amino acid residue is found in multiple mammalian species, which suggests that this missense change does not adversely affect protein function. In summary, the available evidence is currently insufficient to determine the role of this variant in disease. Therefore, it has been classified as a Variant of Uncertain Significance.